The following is an entry in ClinVar:

ClinVar aggregate classification (germline): Uncertain significance (1 of 4 stars; one submission).

Conditions:
SCYL1-related disorder. Also called: SCYL1-related condition.

gnomAD v4.1: 12 of 1,613,226 alleles (0.00074%); highest among the groups gnomAD compares: East Asian, 0.018%; no homozygotes.

Submission:

PreventionGenetics, part of Exact Sciences
Classification: Uncertain significance for SCYL1-related condition. Last evaluated: 2026-04-21. Review status: criteria provided, single submitter. Criteria: ACMG Guidelines, 2015. Collection method: clinical testing. Allele origin: germline.
Comment: The SCYL1 c.427T>C variant is predicted to result in the amino acid substitution p.Cys143Arg. To our knowledge, this variant has not been reported in the literature. This variant is reported in 0.010% of alleles in individuals of East Asian descent in gnomAD. At this time, the clinical significance of this variant is uncertain due to the absence of conclusive functional and genetic evidence.

NM_020680.4(SCYL1):c.427T>C (p.Cys143Arg)

Gene: SCYL1 (SCY1 like pseudokinase 1; plus strand). Cytogenetic location: 11q13.1.
Variant type: single nucleotide variant.
Coding change: c.427T>C on transcript NM_020680.4 (MANE Select); coding-DNA position 427, T replaced by C.
Protein change: p.Cys143Arg; replaces cysteine 143 with arginine.
Molecular consequence: missense variant. On other transcripts: 5 prime UTR variant (5), intron variant (4).
Genome position (GRCh38, 1-based): chr11:65,526,175, T>C. VCF-style: chr11-65526175-T-C. GRCh37 (hg19) VCF-style: chr11-65293646-T-C.
Other names: c.427T>C, p.Cys143Arg (NM_001048218.2, NM_001411022.1, NM_001425179.1 and 19 more transcripts); c.424T>C, p.Cys142Arg (NM_001425180.1, NM_001425183.1); c.172T>C, p.Cys58Arg (NM_001425199.1); c.163T>C, p.Cys55Arg (NM_001425200.1); c.-3T>C (NM_001425203.1, NM_001425204.1, NM_001425205.1 and 2 more transcripts); c.-11+132T>C (NM_001425208.1, NM_001425211.1, NM_001425209.1 and 1 more transcripts); short protein forms C142R, C55R, C58R, C143R.
Identifiers: ClinVar variation 4980885 (VCV004980885.1).